The following is an entry in ClinVar:

NM_024675.4(PALB2):c.2835-2A>G

Gene: PALB2 (partner and localizer of BRCA2; minus strand). Cytogenetic location: 16p12.2.
Variant type: single nucleotide variant.
Coding change: c.2835-2A>G on transcript NM_024675.4 (MANE Select); the canonical splice acceptor site of the intron before coding-DNA position 2835, A replaced by G.
Molecular consequence: splice acceptor variant. On other transcripts: intron variant (1).
Genome position (GRCh38, 1-based): chr16:23,623,132, T>C on the plus strand (A>G on the coding strand, the complement: PALB2 is on the minus strand). VCF-style: chr16-23623132-T-C. GRCh37 (hg19) VCF-style: chr16-23634453-T-C.
Other names: c.2835-2A>G (NM_001407299.1, NM_001407301.1); c.1788-2A>G (NM_001407307.1); c.1950-2A>G (NM_001407309.1, NM_001407311.1, NM_001407305.1 and 4 more transcripts); c.369-2A>G (NM_001407314.1); c.1047-2A>G (NM_001407313.1, NM_001407312.1); c.2775-2A>G (NM_001407296.1); c.2763-2A>G (NM_001407297.1); c.2673-2A>G (NM_001407302.1, NM_001407298.1); and 1 more.
Identifiers: ClinVar variation 2584866 (VCV002584866.3), dbSNP rs886039613, ClinGen allele CA395144551.

ClinVar aggregate classification (germline): Likely pathogenic. Review status: criteria provided, multiple submitters, no conflicts (2 of 4 stars). 3 submissions from 3 submitters: Likely pathogenic (3). Last evaluated 2025-04-02.

Conditions:
Familial cancer of breast. Also called: Hereditary breast cancer; hereditary breast carcinoma; BREAST CANCER, FAMILIAL. Identifiers: Orphanet 227535, MedGen C0346153, MONDO:0016419, OMIM 114480. Disease mechanism: loss of function.
Fanconi anemia complementation group N. Also called: PALB2-Related Fanconi Anemia. Identifiers: Orphanet 84, MedGen C1835817, MONDO:0012565, OMIM 610832. Disease mechanism: loss of function.

Submissions (3):

Labcorp Genetics (formerly Invitae), Labcorp
Classification: Likely pathogenic for Familial cancer of breast. Last evaluated: 2025-04-02. Review status: criteria provided, single submitter. Criteria: Invitae Variant Classification Sherloc (09022015). Collection method: clinical testing. Allele origin: germline.
Comment: This sequence change affects an acceptor splice site in intron 8 of the PALB2 gene. It is expected to disrupt RNA splicing. Variants that disrupt the donor or acceptor splice site typically lead to a loss of protein function (PMID: 16199547), and loss-of-function variants in PALB2 are known to be pathogenic (PMID: 17200668, 17200671, 17200672, 24136930, 25099575). This variant is not present in population databases (gnomAD no frequency). This variant has not been reported in the literature in individuals affected with PALB2-related conditions. ClinVar contains an entry for this variant (Variation ID: 2584866). Algorithms developed to predict the effect of sequence changes on RNA splicing suggest that this variant may disrupt the consensus splice site. In summary, the currently available evidence indicates that the variant is pathogenic, but additional data are needed to prove that conclusively. Therefore, this variant has been classified as Likely Pathogenic.

Myriad Genetics, Inc.
Classification: Likely pathogenic for Familial cancer of breast. Last evaluated: 2023-09-14. Review status: criteria provided, single submitter. Criteria: Myriad Autosomal Dominant, Autosomal Recessive and X-Linked Classification Criteria (2023). Collection method: clinical testing. Allele origin: unknown.
Comment: This variant is considered likely pathogenic. This variant occurs within a consensus splice junction and is predicted to result in abnormal mRNA splicing of either an out-of-frame exon or an in-frame exon necessary for protein stability and/or normal function.

Neuberg Centre For Genomic Medicine, NCGM
Classification: Likely pathogenic for Fanconi anemia complementation group N. Review status: criteria provided, single submitter. Criteria: ACMG Guidelines, 2015. Collection method: clinical testing. Allele origin: germline. Inheritance: Autosomal recessive inheritance. Affected: yes.
Comment: The splice site variant c.2835-2A>G in PALB2 gene has not been reported previously as a pathogenic variant nor as a benign variant, to our knowledge. The c.2835-2A>G variant is novel (not in any individuals) in gnomAD Exomes and 1000 Genomes. The variant affects an invariant splice nucleotide and is expected to cause loss of function. Loss of function variants have been previously reported to be disease causing. For these reasons, this variant has been classified as Likely Pathogenic.

Literature cited by the submitters: PubMed 16199547 (cited by Labcorp Genetics (formerly Invitae), Labcorp); PubMed 17200668 (cited by Labcorp Genetics (formerly Invitae), Labcorp); PubMed 17200671 (cited by Labcorp Genetics (formerly Invitae), Labcorp); PubMed 17200672 (cited by Labcorp Genetics (formerly Invitae), Labcorp); PubMed 24136930 (cited by Labcorp Genetics (formerly Invitae), Labcorp); PubMed 25099575 (cited by Labcorp Genetics (formerly Invitae), Labcorp).